The following is an entry in ClinVar:

ClinVar aggregate classification (germline): Likely benign (1 of 4 stars; one submission).

Submission:

CeGaT Center for Human Genetics Tuebingen
Classification: Likely benign. Last evaluated: 2026-02-01. Review status: criteria provided, single submitter. Criteria: CeGaT Center For Human Genetics Tuebingen Variant Classification Criteria Version 2. Collection method: clinical testing. Allele origin: germline. Affected: yes. Observed: 1 variant allele.
Comment: MYLK: PM2:Supporting, BP4, BP7

NM_053025.4(MYLK):c.273T>C (p.Leu91=)

Gene: MYLK (myosin light chain kinase; minus strand). Cytogenetic location: 3q21.1.
Variant type: single nucleotide variant.
Coding change: c.273T>C on transcript NM_053025.4 (MANE Select); coding-DNA position 273, T replaced by C.
Protein change: p.Leu91=; no amino-acid change (leucine 91 retained).
Molecular consequence: synonymous variant. On other transcripts: intron variant (1).
Genome position (GRCh38, 1-based): chr3:123,752,431, A>G on the plus strand (T>C on the coding strand, the complement: MYLK is on the minus strand). VCF-style: chr3-123752431-A-G. GRCh37 (hg19) VCF-style: chr3-123471278-A-G.
Other names: c.273T>C, p.Leu91= (NM_053026.4, NM_053027.4, NM_053028.4); c.-155-12430T>C (NM_001321309.2).
Identifiers: ClinVar variation 4822389 (VCV004822389.4).
Genomic context (GRCh38, chr3:123,752,431, plus strand): 5'-GCCATTGGTGGCTTCACAGGTATACTTTCCCCTGTCCTCCTCATGGACAGCATGAATCAC[A>G]AGGCTGAAAGTCCCCCGGATGCCGCAATCCAGCAGGAAGCGGCCCCCGCTGGTGATGGGT-3'
Protein context (NP_444253.3, residues 81-101): LDCGIRGTFS[Leu91=]VIHAVHEEDR